The following is an entry in ClinVar:

ClinVar aggregate classification (germline): Likely benign. Review status: criteria provided, multiple submitters, no conflicts (2 of 4 stars). 4 submissions from 4 submitters: Likely benign (2). 2 of the submissions do not count toward it. Last evaluated 2025-07-23.

Allele frequency attached by ClinVar (database versions not stated): ExAC 0.00002; gnomAD exomes 0.00004; TOPMed 0.00004; gnomAD 0.00007 and 0.00008.
gnomAD v4.1: 73 of 1,612,856 alleles (0.0045%); highest among the groups gnomAD compares: Non-Finnish European, 0.0062%; no homozygotes.

Submissions (4):

Labcorp Genetics (formerly Invitae), Labcorp
Classification: Likely benign. Last evaluated: 2025-07-23. Review status: criteria provided, single submitter. Criteria: Invitae Variant Classification Sherloc (09022015). Collection method: clinical testing. Allele origin: germline.

CeGaT Center for Human Genetics Tuebingen
Classification: Likely benign. Last evaluated: 2024-04-01. Review status: criteria provided, single submitter. Criteria: CeGaT Center For Human Genetics Tuebingen Variant Classification Criteria Version 2. Collection method: clinical testing. Allele origin: germline. Affected: yes. Observed: 1 variant allele.
Comment: MTOR: BP4

Genome Diagnostics Laboratory, University Medical Center Utrecht
Classification: Likely benign. Review status: no assertion criteria provided. Collection method: clinical testing. Allele origin: germline. Affected: yes. Study: VKGL Data-share Consensus. Not counted in ClinVar's aggregate classification.

Laboratory of Diagnostic Genome Analysis, Leiden University Medical Center (LUMC)
Classification: Likely benign. Review status: no assertion criteria provided. Collection method: clinical testing. Allele origin: germline. Affected: yes. Study: VKGL Data-share Consensus. Not counted in ClinVar's aggregate classification.

NM_004958.4(MTOR):c.3802-8G>T

Gene: MTOR (mechanistic target of rapamycin kinase; minus strand). Cytogenetic location: 1p36.22.
Variant type: single nucleotide variant.
Coding change: c.3802-8G>T on transcript NM_004958.4 (MANE Select); 8 bases into the intron before coding-DNA position 3802, G replaced by T.
Molecular consequence: intron variant.
Genome position (GRCh38, 1-based): chr1:11,204,711, C>A on the plus strand (G>T on the coding strand, the complement: MTOR is on the minus strand). VCF-style: chr1-11204711-C-A. GRCh37 (hg19) VCF-style: chr1-11264768-C-A.
Other names: c.3802-8G>T (LRG_734t1).
Identifiers: ClinVar variation 639249 (VCV000639249.31), dbSNP rs546427418, ClinGen allele CA590114.